The following is an entry in ClinVar:

NC_000005.9:g.(?_138262838)_(138266627_?)del

Gene: CTNNA1 (catenin alpha 1; plus strand). Cytogenetic location: 5q31.2.
Variant type: Deletion.
Identifiers: ClinVar variation 3246473 (VCV003246473.1).

ClinVar aggregate classification (germline): Uncertain significance (1 of 4 stars; one submission).

Submission:

Labcorp Genetics (formerly Invitae), Labcorp
Classification: Uncertain significance. Last evaluated: 2023-08-07. Review status: criteria provided, single submitter. Criteria: Invitae Variant Classification Sherloc (09022015). Collection method: clinical testing. Allele origin: unknown.
Comment: This variant is a gross deletion of the genomic region encompassing exon(s) 14-16 of the CTNNA1 gene. This variant would be expected to be in-frame, preserving the integrity of the reading frame. This variant has not been reported in the literature in individuals affected with CTNNA1-related conditions. Experimental studies and prediction algorithms are not available or were not evaluated, and the functional significance of this variant is currently unknown. In summary, the available evidence is currently insufficient to determine the role of this variant in disease. Therefore, it has been classified as a Variant of Uncertain Significance.